The following is an entry in ClinVar:

NM_001378418.1(TCF20):c.4313G>A (p.Arg1438His)

Gene: TCF20 (transcription factor 20; minus strand). Cytogenetic location: 22q13.2.
Variant type: single nucleotide variant.
Coding change: c.4313G>A on transcript NM_001378418.1 (MANE Select); coding-DNA position 4313, G replaced by A.
Protein change: p.Arg1438His; replaces arginine 1438 with histidine.
Molecular consequence: missense variant.
Genome position (GRCh38, 1-based): chr22:42,210,993, C>T on the plus strand (G>A on the coding strand, the complement: TCF20 is on the minus strand). VCF-style: chr22-42210993-C-T. GRCh37 (hg19) VCF-style: chr22-42606999-C-T.
Other names: c.4313G>A, p.Arg1438His (NM_005650.4, NM_181492.3); c.4313G>A (NM_005650.1); short protein forms R1438H.
Identifiers: ClinVar variation 2085536 (VCV002085536.5), dbSNP rs149724958, ClinGen allele CA10266664.

ClinVar aggregate classification (germline): Conflicting classifications of pathogenicity. Review status: criteria provided, conflicting classifications (1 of 4 stars). 2 submissions from 2 submitters: Uncertain significance (1); Likely benign (1). Last evaluated 2022-03-19.

Conditions:
Inborn genetic diseases. Identifiers: MedGen C0950123, MeSH D030342.

Allele frequency attached by ClinVar (database versions not stated): gnomAD 0.00003; TOPMed 0.00003; ExAC 0.00005; gnomAD exomes 0.00007; ESP Exome Variant Server 0.00008.
gnomAD v4.1: 108 of 1,614,040 alleles (0.0067%); highest among the groups gnomAD compares: Non-Finnish European, 0.0089%; no homozygotes.

Submissions (2):

Labcorp Genetics (formerly Invitae), Labcorp
Classification: Uncertain significance. Last evaluated: 2022-03-19. Review status: criteria provided, single submitter. Criteria: Invitae Variant Classification Sherloc (09022015). Collection method: clinical testing. Allele origin: germline.
Comment: In summary, the available evidence is currently insufficient to determine the role of this variant in disease. Therefore, it has been classified as a Variant of Uncertain Significance. Algorithms developed to predict the effect of missense changes on protein structure and function output the following: SIFT: "Tolerated"; PolyPhen-2: "Benign"; Align-GVGD: "Class C0". The histidine amino acid residue is found in multiple mammalian species, which suggests that this missense change does not adversely affect protein function. This variant has not been reported in the literature in individuals affected with TCF20-related conditions. This variant is present in population databases (rs149724958, gnomAD 0.006%). This sequence change replaces arginine, which is basic and polar, with histidine, which is basic and polar, at codon 1438 of the TCF20 protein (p.Arg1438His).

Ambry Genetics
Classification: Likely benign for Inborn genetic diseases. Last evaluated: 2021-10-26. Review status: criteria provided, single submitter. Criteria: Ambry Variant Classification Scheme 2023. Collection method: clinical testing. Allele origin: germline.